The following is an entry in ClinVar:

ClinVar aggregate classification (germline): Uncertain significance. Review status: criteria provided, multiple submitters, no conflicts (2 of 4 stars). 3 submissions from 3 submitters: Uncertain significance (3). Last evaluated 2026-07-06.

Conditions:
Inborn genetic diseases. Identifiers: MedGen C0950123, MeSH D030342.
TTLL5-related disorder. Also called: TTLL5-related condition.

Allele frequency attached by ClinVar (database versions not stated): gnomAD 0.00001 and 0.00002; TOPMed 0.00001; gnomAD exomes 0.00002; 1000 Genomes Project 30x 0.00031.
gnomAD v4.1: 35 of 1,612,664 alleles (0.0022%); highest among the groups gnomAD compares: Non-Finnish European, 0.0026%; no homozygotes.

Submissions (3):

PreventionGenetics, part of Exact Sciences
Classification: Uncertain significance for TTLL5-related condition. Last evaluated: 2026-07-06. Review status: criteria provided, single submitter. Criteria: ACMG Guidelines, 2015. Collection method: clinical testing. Allele origin: germline.
Comment: The TTLL5 c.1733A>G variant is predicted to result in the amino acid substitution p.Asn578Ser. To our knowledge, this variant has not been reported in the literature. This variant is reported in 0.013% of alleles in individuals of European (Non-Finnish) descent in gnomAD. At this time, the clinical significance of this variant is uncertain due to the absence of conclusive functional and genetic evidence.

Ambry Genetics
Classification: Uncertain significance for Inborn genetic diseases. Last evaluated: 2024-01-03. Review status: criteria provided, single submitter. Criteria: Ambry Variant Classification Scheme 2023. Collection method: clinical testing. Allele origin: germline.

Labcorp Genetics (formerly Invitae), Labcorp
Classification: Uncertain significance. Last evaluated: 2022-08-09. Review status: criteria provided, single submitter. Criteria: Invitae Variant Classification Sherloc (09022015). Collection method: clinical testing. Allele origin: germline.
Comment: ClinVar contains an entry for this variant (Variation ID: 1053559). In summary, the available evidence is currently insufficient to determine the role of this variant in disease. Therefore, it has been classified as a Variant of Uncertain Significance. Algorithms developed to predict the effect of missense changes on protein structure and function output the following: SIFT: "Tolerated"; PolyPhen-2: "Benign"; Align-GVGD: "Class C0". The serine amino acid residue is found in multiple mammalian species, which suggests that this missense change does not adversely affect protein function. This variant has not been reported in the literature in individuals affected with TTLL5-related conditions. This variant is present in population databases (no rsID available, gnomAD 0.01%). This sequence change replaces asparagine, which is neutral and polar, with serine, which is neutral and polar, at codon 578 of the TTLL5 protein (p.Asn578Ser).

NM_015072.5(TTLL5):c.1733A>G (p.Asn578Ser)

Gene: TTLL5 (tubulin tyrosine ligase like 5; plus strand). Cytogenetic location: 14q24.3.
Variant type: single nucleotide variant.
Coding change: c.1733A>G on transcript NM_015072.5 (MANE Select); coding-DNA position 1733, A replaced by G.
Protein change: p.Asn578Ser; replaces asparagine 578 with serine.
Molecular consequence: missense variant.
Genome position (GRCh38, 1-based): chr14:75,766,086, A>G. VCF-style: chr14-75766086-A-G. GRCh37 (hg19) VCF-style: chr14-76232429-A-G.
Other names: c.1733A>G (NM_015072.4); short protein forms N578S.
Identifiers: ClinVar variation 1053559 (VCV001053559.11), dbSNP rs1179379927, ClinGen allele CA390466677.
Genomic context (GRCh38, chr14:75,766,086, plus strand): 5'-CTTTTTTCAGCAACATTAGTGATTCTTCGTATTTAGTGATTACCCAACCAGCTGAAATGA[A>G]TGTTAAAACTGAGACAGAGAGTGAAGAGGAGGAAGAAGTCGCATTAGATAATGAAGATGA-3'
Protein context (NP_055887.3, residues 568-588): YPVITQPAEM[Asn578Ser]VKTETESEEE